The following is an entry in ClinVar:

NM_002401.5(MAP3K3):c.1172A>G (p.Lys391Arg)

Gene: MAP3K3 (mitogen-activated protein kinase kinase kinase 3; plus strand). Cytogenetic location: 17q23.3.
Variant type: single nucleotide variant.
Coding change: c.1172A>G on transcript NM_002401.5 (MANE Select); coding-DNA position 1172, A replaced by G.
Protein change: p.Lys391Arg; replaces lysine 391 with arginine.
Molecular consequence: missense variant.
Genome position (GRCh38, 1-based): chr17:63,690,372, A>G. VCF-style: chr17-63690372-A-G. GRCh37 (hg19) VCF-style: chr17-61767732-A-G.
Other names: c.1160A>G, p.Lys387Arg (NM_001330431.2); c.1253A>G, p.Lys418Arg (NM_001363768.2); c.1265A>G, p.Lys422Arg (NM_203351.3); short protein forms K418R, K387R, K422R, K391R.
Identifiers: ClinVar variation 4974614 (VCV004974614.1).
Genomic context (GRCh38, chr17:63,690,372, plus strand): 5'-GTGCCTTCGGCAGGGTCTATTTGTGCTATGACGTGGACACGGGACGTGAACTTGCTTCCA[A>G]GCAGGTCCAATTTGATCCAGACAGTCCTGAGACAAGCAAGGTACACTTAACCCGTGGTCT-3'
Protein context (NP_002392.2, residues 381-401): DVDTGRELAS[Lys391Arg]QVQFDPDSPE

ClinVar aggregate classification (germline): Uncertain significance (1 of 4 stars; one submission).

Conditions:
Cerebral cavernous malformations 5. Identifiers: MedGen C5975541, MONDO:0975952, OMIM 621032.

gnomAD v4.1: 1 of 1,614,194 alleles (0.000062%); highest among the groups gnomAD compares: Non-Finnish European, 0.000085%; no homozygotes.

Submission:

Clinical Genomics Laboratory, Washington University in St. Louis
Classification: Uncertain significance for Cerebral cavernous malformations 5. Last evaluated: 2026-01-24. Review status: criteria provided, single submitter. Criteria: ACMG Guidelines, 2015. Collection method: clinical testing. Allele origin: germline.
Comment: A MAP3K3 c.1172A>G (p.Lys391Arg) variant was identified at a near heterozygous allelic fraction of 47.7%, a frequency which may be consistent with germline origin. This variant, to our knowledge, has not been reported in the medical literature in individuals with vascular malformations. It is only observed in 1/1,614,194 alleles in the general population (gnomAD v4.1.0), indicating it is not a common variant. Computational predictors indicate that the variant is damaging, evidence that correlates with impact to MAP3K3 function. Due to limited information, and based on ACMG/AMP guidelines for variant interpretation (Richards S et al., PMID: 25741868), the clinical significance of this variant is uncertain at this time.